The following is an entry in ClinVar:

ClinVar aggregate classification (germline): Likely pathogenic. Review status: criteria provided, multiple submitters, no conflicts (2 of 4 stars). 2 submissions from 2 submitters: Likely pathogenic (2). Last evaluated 2023-08-01.

Conditions:
Bernard-Soulier syndrome, type A2, autosomal dominant (BSSA2). Also called: Bernard-Soulier syndrome, type A2 (dominant). Identifiers: Orphanet 274, MedGen C3277076, MONDO:0007930, OMIM 153670.
GP1BA-related disorder. Also called: GP1BA-related condition.

Submissions (2):

PreventionGenetics, part of Exact Sciences
Classification: Likely pathogenic for GP1BA-related condition. Last evaluated: 2023-08-01. Review status: criteria provided, single submitter. Criteria: ACMG Guidelines, 2015. Collection method: clinical testing. Allele origin: germline.
Comment: The GP1BA c.169A>G variant is predicted to result in the amino acid substitution p.Asn57Asp. This variant has been reported in the heterozygous state in an individual with Bernard-Soulier syndrome (Table S2, Megy et al. 2021. PubMed ID: 34355501). This variant has also been reported in the heterozygous state in an individual with thrombocytopenia (Marconi et al. 2022. PubMed ID: 36519321). A different substitution of the same amino acid residue defined as p.Asn57His was reported in a patient with Bernard-Soulier syndrome (BSS) (legacy nomenclature N41H, Berndt and Andrews. 2011. PubMed ID: 21357716). The p.Asn57His substitution was also reported in the heterozygous state in two families with Bernard-Soulier syndrome and functional studies suggest this variant alters a region of the GP1BA protein required for VWF binding (Vettore et al. 2008. PubMed ID: 18815197). Another variant of the same amino acid residue, defined as p.Asn57Lys, is reported as likely pathogenic in ClinVar and is reported in the heterozygous state in a patient with a platelet-related bleeding disorder (suppl3, Downes et al. 2019. PubMed ID: 31064749). These data suggest that substitution of amino acid residue p.Asn57 is not tolerated. This variant has not been reported in a large population database, indicating this variant is rare. In Clinvar, this variant is interpreted as like pathogenic. This variant is interpreted as likely pathogenic.

ISTH-SSC Genomics in Thrombosis and Hemostasis, KU Leuven, Center for Molecular and Vascular Biology
Classification: Likely pathogenic for Bernard-Soulier syndrome, type A2, autosomal dominant. Review status: criteria provided, single submitter. Criteria: ACMG Guidelines, 2015. Collection method: clinical testing. Allele origin: unknown. Affected: yes.
Comment: Submitted to GoldVariant by Kathleen Freson, Center for Molecular and Vascular Biology, Leuven, Belgium

Literature cited by the submitters: PubMed 34355501 (cited by ISTH-SSC Genomics in Thrombosis and Hemostasis, KU Leuven, Center for Molecular and Vascular Biology).

NM_000173.7(GP1BA):c.169A>G (p.Asn57Asp)

Gene: GP1BA (glycoprotein Ib platelet subunit alpha; plus strand). Cytogenetic location: 17p13.2.
Variant type: single nucleotide variant.
Coding change: c.169A>G on transcript NM_000173.7 (MANE Select); coding-DNA position 169, A replaced by G.
Protein change: p.Asn57Asp; replaces asparagine 57 with aspartic acid.
Molecular consequence: missense variant.
Genome position (GRCh38, 1-based): chr17:4,932,773, A>G. VCF-style: chr17-4932773-A-G. GRCh37 (hg19) VCF-style: chr17-4836068-A-G.
Other names: short protein forms N57D.
Identifiers: ClinVar variation 1676741 (VCV001676741.2), dbSNP rs2151107705, ClinGen allele CA397314824.
Genomic context (GRCh38, chr17:4,932,773, plus strand): 5'-AATCTGACAGCGCTGCCTCCAGACCTGCCGAAAGACACAACCATCCTCCACCTGAGTGAG[A>G]ACCTCCTGTACACCTTCTCCCTGGCAACCCTGATGCCTTACACTCGCCTCACTCAGCTGA-3'
Protein context (NP_000164.5, residues 47-67): KDTTILHLSE[Asn57Asp]LLYTFSLATL